The following is an entry in ClinVar:

ClinVar aggregate classification (germline): Conflicting classifications of pathogenicity. Review status: criteria provided, conflicting classifications (1 of 4 stars). 3 submissions from 3 submitters: Uncertain significance (2); Likely benign (1). Last evaluated 2025-10-29.

Conditions:
Hereditary cancer-predisposing syndrome. Also called: Hereditary neoplastic syndrome; Hereditary Cancer Syndrome; Neoplastic Syndromes, Hereditary; Tumor predisposition. Identifiers: Orphanet 140162, MedGen C0027672, MeSH D009386, MONDO:0015356.
Neuroblastoma, susceptibility to, 3. Also called: ALK-Related Neuroblastic Tumor Susceptibility. Identifiers: Orphanet 635, MedGen C2751681, MONDO:0013083, OMIM 613014.

Submissions (3):

Ambry Genetics
Classification: Likely benign for Hereditary cancer-predisposing syndrome. Last evaluated: 2025-10-29. Review status: criteria provided, single submitter. Criteria: Ambry Variant Classification Scheme 2023. Collection method: clinical testing. Allele origin: germline.

Labcorp Genetics (formerly Invitae), Labcorp
Classification: Uncertain significance for Neuroblastoma, susceptibility to, 3. Last evaluated: 2024-03-02. Review status: criteria provided, single submitter. Criteria: Invitae Variant Classification Sherloc (09022015). Collection method: clinical testing. Allele origin: germline.
Comment: This sequence change replaces glutamic acid, which is acidic and polar, with glycine, which is neutral and non-polar, at codon 1536 of the ALK protein (p.Glu1536Gly). This variant is not present in population databases (gnomAD no frequency). This variant has not been reported in the literature in individuals affected with ALK-related conditions. Algorithms developed to predict the effect of missense changes on protein structure and function output the following: SIFT: "Not Available"; PolyPhen-2: "Benign"; Align-GVGD: "Not Available". The glycine amino acid residue is found in multiple mammalian species, which suggests that this missense change does not adversely affect protein function. In summary, the available evidence is currently insufficient to determine the role of this variant in disease. Therefore, it has been classified as a Variant of Uncertain Significance.

Fulgent Genetics
Classification: Uncertain significance for Neuroblastoma, susceptibility to, 3. Last evaluated: 2024-02-23. Review status: criteria provided, single submitter. Criteria: ACMG Guidelines, 2015. Collection method: clinical testing. Allele origin: germline.

NM_004304.5(ALK):c.4607A>G (p.Glu1536Gly)

Gene: ALK (ALK receptor tyrosine kinase; minus strand). Cytogenetic location: 2p23.2.
Variant type: single nucleotide variant.
Coding change: c.4607A>G on transcript NM_004304.5 (MANE Select); coding-DNA position 4607, A replaced by G.
Protein change: p.Glu1536Gly; replaces glutamic acid 1536 with glycine.
Molecular consequence: missense variant.
Genome position (GRCh38, 1-based): chr2:29,193,480, T>C on the plus strand (A>G on the coding strand, the complement: ALK is on the minus strand). VCF-style: chr2-29193480-T-C. GRCh37 (hg19) VCF-style: chr2-29416346-T-C.
Other names: c.1403A>G, p.Glu468Gly (NM_001353765.2); c.4607A>G (NM_004304.4); short protein forms E1536G, E468G.
Identifiers: ClinVar variation 3013291 (VCV003013291.5), dbSNP rs2465873305, ClinGen allele CA346460610.